The following is an entry in ClinVar:

ClinVar aggregate classification (germline): Uncertain significance (1 of 4 stars; one submission).

Conditions:
Retinitis pigmentosa 11 (RP11). Identifiers: Orphanet 791, MedGen C1838601, MONDO:0010828, OMIM 600138.

Submission:

DBGen Ocular Genomics
Classification: Uncertain significance for Retinitis pigmentosa 11. Last evaluated: 2021-01-01. Review status: criteria provided, single submitter. Criteria: ACMG Guidelines, 2015. Collection method: clinical testing. Allele origin: unknown. Inheritance: Autosomal dominant inheritance. Affected: yes.
Comment: Class 3 ACMG Guidelines, 2015

NM_015629.4(PRPF31):c.946-344C>T

Gene: PRPF31 (pre-mRNA processing factor 31; plus strand). Cytogenetic location: 19q13.42.
Variant type: single nucleotide variant.
Coding change: c.946-344C>T on transcript NM_015629.4 (MANE Select); 344 bases into the intron before coding-DNA position 946, C replaced by T.
Molecular consequence: intron variant.
Genome position (GRCh38, 1-based): chr19:54,127,729, C>T. VCF-style: chr19-54127729-C-T. GRCh37 (hg19) VCF-style: chr19-54631104-C-T.
Identifiers: ClinVar variation 2628063 (VCV002628063.2), dbSNP rs2516187592, ClinGen allele CA2695201366.